The following is an entry in ClinVar:

NM_004415.4(DSP):c.2012A>G (p.Glu671Gly)

Gene: DSP (desmoplakin; plus strand). Cytogenetic location: 6p24.3.
Variant type: single nucleotide variant.
Coding change: c.2012A>G on transcript NM_004415.4 (MANE Select); coding-DNA position 2012, A replaced by G.
Protein change: p.Glu671Gly; replaces glutamic acid 671 with glycine.
Molecular consequence: missense variant.
Genome position (GRCh38, 1-based): chr6:7,571,950, A>G. VCF-style: chr6-7571950-A-G. GRCh37 (hg19) VCF-style: chr6-7572183-A-G.
Other names: c.2012A>G, p.Glu671Gly (NM_001008844.3, NM_001319034.2); short protein forms E671G.
Identifiers: ClinVar variation 840565 (VCV000840565.18), dbSNP rs758530970, ClinGen allele CA133960400.

ClinVar aggregate classification (germline): Uncertain significance. Review status: criteria provided, multiple submitters, no conflicts (2 of 4 stars). 6 submissions from 6 submitters: Uncertain significance (6). Last evaluated 2025-03-31.

Conditions:
Arrhythmogenic cardiomyopathy with wooly hair and keratoderma. Also called: PALMOPLANTAR KERATODERMA WITH LEFT VENTRICULAR CARDIOMYOPATHY AND WOOLLY HAIR; Arrhythmogenic cardiomyopathy with woolly hair and keratoderma; Carvajal syndrome; Dilated cardiomyopathy with woolly hair and keratoderma. Identifiers: Orphanet 65282, MedGen C1854063, MONDO:0011581, OMIM 605676.
Arrhythmogenic right ventricular dysplasia 8 (ARVD8). Also called: Arrhythmogenic Right Ventricular Dysplasia/Cardiomyopathy 8; ARRHYTHMOGENIC RIGHT VENTRICULAR DYSPLASIA, FAMILIAL, 8; ARRHYTHMOGENIC RIGHT VENTRICULAR CARDIOMYOPATHY 8. Identifiers: MedGen C1843896, MONDO:0011831, OMIM 607450.
Cardiovascular phenotype. Identifiers: MedGen CN230736.
Cardiomyopathy (CMYO). Also called: Cardiomyopathies. Identifiers: Orphanet 167848, MedGen C0878544, MONDO:0004994, HP:0001638. Inheritance: Various modes of inheritance.

Allele frequency attached by ClinVar (database versions not stated): gnomAD exomes below 0.00001; TOPMed below 0.00001.
gnomAD v4.1: 3 of 1,614,194 alleles (0.00019%); highest among the groups gnomAD compares: Admixed American, 0.0017%; no homozygotes.

Submissions (6):

Labcorp Genetics (formerly Invitae), Labcorp
Classification: Uncertain significance for Arrhythmogenic cardiomyopathy with wooly hair and keratoderma; Arrhythmogenic right ventricular dysplasia 8. Last evaluated: 2025-03-31. Review status: criteria provided, single submitter. Criteria: Invitae Variant Classification Sherloc (09022015). Collection method: clinical testing. Allele origin: germline.
Comment: This sequence change replaces glutamic acid, which is acidic and polar, with glycine, which is neutral and non-polar, at codon 671 of the DSP protein (p.Glu671Gly). This variant is present in population databases (rs758530970, gnomAD 0.0009%). This variant has not been reported in the literature in individuals affected with DSP-related conditions. ClinVar contains an entry for this variant (Variation ID: 840565). An algorithm developed to predict the effect of missense changes on protein structure and function (PolyPhen-2) suggests that this variant is likely to be disruptive. In summary, the available evidence is currently insufficient to determine the role of this variant in disease. Therefore, it has been classified as a Variant of Uncertain Significance.

All of Us Research Program, National Institutes of Health
Classification: Uncertain significance for Arrhythmogenic cardiomyopathy with wooly hair and keratoderma. Last evaluated: 2024-07-10. Review status: criteria provided, single submitter. Criteria: ACMG Guidelines, 2015. Collection method: clinical testing. Allele origin: germline. Inheritance: Autosomal dominant inheritance. Observed: 3 variant alleles, 3 heterozygotes.
Comment: This missense variant replaces glutamic acid with glycine at codon 671 of the DSP protein. Computational prediction tools and conservation analyses are inconclusive regarding the impact of this variant on the protein function. Computational splicing tools suggest that this variant may not impact RNA splicing. To our knowledge, functional assays have not been performed for this variant nor has this variant been reported in individuals affected with cardiovascular disorders in the literature. This variant has not been identified in the general population by the Genome Aggregation Database (gnomAD). Available evidence is insufficient to determine the role of this variant in disease conclusively. Therefore, this variant is classified as a Variant of Uncertain Significance.

This study involves interpretation of variants in research participants for the purpose of population health screening. Participant phenotype was not available at the time of variant classification. Additional details can be found in publication PMID: 35346344, PMCID: PMC8962531

Color Diagnostics, LLC DBA Color Health
Classification: Uncertain significance for Cardiomyopathy. Last evaluated: 2024-03-06. Review status: criteria provided, single submitter. Criteria: ACMG Guidelines, 2015. Collection method: clinical testing. Allele origin: germline.
Comment: This missense variant replaces glutamic acid with glycine at codon 671 of the DSP protein. Computational prediction is inconclusive regarding the impact of this variant on protein structure and function (internally defined REVEL score threshold 0.5 < inconclusive < 0.7, PMID: 27666373). To our knowledge, functional studies have not been reported for this variant. This variant has not been reported in individuals affected with cardiovascular disorders in the literature. This variant has not been identified in the general population by the Genome Aggregation Database (gnomAD). The available evidence is insufficient to determine the role of this variant in disease conclusively. Therefore, this variant is classified as a Variant of Uncertain Significance.

Women's Health and Genetics/Laboratory Corporation of America, LabCorp
Classification: Uncertain significance. Last evaluated: 2024-01-22. Review status: criteria provided, single submitter. Criteria: LabCorp Variant Classification Summary - May 2015. Collection method: clinical testing. Allele origin: germline.

Ambry Genetics
Classification: Uncertain significance for Cardiovascular phenotype. Last evaluated: 2023-08-02. Review status: criteria provided, single submitter. Criteria: Ambry Variant Classification Scheme 2023. Collection method: clinical testing. Allele origin: germline.

Blueprint Genetics
Classification: Uncertain significance. Last evaluated: 2022-07-28. Review status: criteria provided, single submitter. Criteria: ACMG Guidelines, 2015. Collection method: clinical testing. Allele origin: germline.